The following is an entry in ClinVar:

ClinVar aggregate classification (germline): Uncertain significance (1 of 4 stars; one submission).

gnomAD v4.1: 1 of 1,614,144 alleles (0.000062%); highest among the groups gnomAD compares: Non-Finnish European, 0.000085%; no homozygotes.

Submission:

GeneDx
Classification: Uncertain significance. Last evaluated: 2024-08-14. Review status: criteria provided, single submitter. Criteria: GeneDx Variant Classification Process June 2021. Collection method: clinical testing. Allele origin: germline. Affected: yes.
Comment: Not observed at significant frequency in large population cohorts (gnomAD); In silico analysis indicates that this missense variant does not alter protein structure/function; Has not been previously published as pathogenic or benign to our knowledge

NM_015057.5(MYCBP2):c.12100G>T (p.Ala4034Ser)

Gene: MYCBP2 (MYC binding protein 2; minus strand). Cytogenetic location: 13q22.3.
Variant type: single nucleotide variant.
Coding change: c.12100G>T on transcript NM_015057.5 (MANE Select); coding-DNA position 12100, G replaced by T.
Protein change: p.Ala4034Ser; replaces alanine 4034 with serine.
Molecular consequence: missense variant.
Genome position (GRCh38, 1-based): chr13:77,068,636, C>A on the plus strand (G>T on the coding strand, the complement: MYCBP2 is on the minus strand). VCF-style: chr13-77068636-C-A. GRCh37 (hg19) VCF-style: chr13-77642771-C-A.
Other names: short protein forms A4034S.
Identifiers: ClinVar variation 3731101 (VCV003731101.1).
Genomic context (GRCh38, chr13:77,068,636, plus strand): 5'-CTCTAGGAGAGGCTGTGTGAAGCAGCGAGAAGAGATCCTGAAGCAGGGTTAGCTGTTGAG[C>A]CAGATATTGCCGGCCAACGTTAGAGCCACTCAGTGCTAAAACCATAGAGAGCAGCTCAAA-3'
Protein context (NP_055872.4, residues 4024-4044): SGSNVGRQYL[Ala4034Ser]QQLTLLQDLF